The following is an entry in ClinVar:

NM_000238.4(KCNH2):c.3107dup (p.Asp1037fs)

Gene: KCNH2 (potassium voltage-gated channel subfamily H member 2; minus strand). Cytogenetic location: 7q36.1.
Variant type: Duplication.
Coding change: c.3107dup on transcript NM_000238.4 (MANE Select); coding-DNA position 3107, one base duplicated (G; older notation c.3107dupG).
Protein change: p.Asp1037fs; shifts the reading frame from aspartic acid 1037.
Molecular consequence: frameshift variant.
Genome position (GRCh38, 1-based): chr7:150,947,373, C duplicated on the plus strand (G on the coding strand, the reverse complement: KCNH2 is on the minus strand); the first of 4 consecutive C bases (chr7:150,947,373-150,947,376); duplicating any one gives the same sequence. VCF-style (leftmost placement, unchanged base first): chr7-150947372-G-GC. GRCh37 (hg19) VCF-style: chr7-150644460-G-GC.
Other names: c.3107dup (NM_000238.2); c.3107dupG (NM_000238.3); c.2087dup, p.Asp697fs (NM_172057.3); short protein forms D1037fs, D697fs.
Identifiers: ClinVar variation 200803 (VCV000200803.17), dbSNP rs794728469, ClinGen allele CA305506.
Genomic context (GRCh38, chr7:150,947,372, plus strand): 5'-ACCTGCACTCCCTCACCTGTTGAGCTGGCGCTGGAGGGCATCCAGCCTGCTCTCCACGTC[G>GC]CCCCGGGGCCGCCGACCCGGGCTGGAGAGGGGGATGTTGAGGAGGCTGGGGGTGGGGGCG-3'

ClinVar aggregate classification (germline): Pathogenic. Review status: criteria provided, multiple submitters, no conflicts (2 of 4 stars). 3 submissions from 3 submitters: Pathogenic (3). Last evaluated 2025-03-19.

Conditions:
Cardiovascular phenotype. Identifiers: MedGen CN230736.
Long QT syndrome (LQTS). Identifiers: MedGen C0023976, MeSH D008133, MONDO:0002442. Disease mechanism: loss of function. Inheritance: Various modes of inheritance.

Submissions (3):

Labcorp Genetics (formerly Invitae), Labcorp
Classification: Pathogenic for Long QT syndrome. Last evaluated: 2025-03-19. Review status: criteria provided, single submitter. Criteria: Invitae Variant Classification Sherloc (09022015). Collection method: clinical testing. Allele origin: germline.
Comment: This sequence change creates a premature translational stop signal (p.Asp1037Argfs*82) in the KCNH2 gene. While this is not anticipated to result in nonsense mediated decay, it is expected to disrupt the last 123 amino acid(s) of the KCNH2 protein. This variant is not present in population databases (gnomAD no frequency). This premature translational stop signal has been observed in individual(s) with long QT syndrome or referred for long QT syndrome testing (PMID: 10086971, 10973849, 11222472, 23098067). This variant is also known as 3108+1G, insG3107-3108, and 3108insG. ClinVar contains an entry for this variant (Variation ID: 200803). This variant disrupts a region of the KCNH2 protein in which other variant(s) (p.E1119*) have been determined to be pathogenic (PMID: 27920829). This suggests that this is a clinically significant region of the protein, and that variants that disrupt it are likely to be disease-causing. For these reasons, this variant has been classified as Pathogenic.

Ambry Genetics
Classification: Pathogenic for Cardiovascular phenotype. Last evaluated: 2023-11-03. Review status: criteria provided, single submitter. Criteria: Ambry Variant Classification Scheme 2023. Collection method: clinical testing. Allele origin: germline.
Comment: The c.3107dupG pathogenic mutation, located in coding exon 13 of the KCNH2 gene, results from a duplication of G at nucleotide position 3107, causing a translational frameshift with a predicted alternate stop codon (p.D1037Rfs*82). This alteration occurs at the 3' terminus of the KCNH2 gene, is not expected to trigger nonsense-mediated mRNA decay, and only impacts the last 11% of the protein. However, premature stop codons are typically deleterious in nature and the impacted region is critical for protein function (Ambry internal data). This alteration has been described in long QT syndrome (LQTS) cohorts, and in one family was reported in multiple relatives with prolonged QT intervals (Berthet M et al. Circulation, 1999;99:1464-70). This variant is considered to be rare based on population cohorts in the Genome Aggregation Database (gnomAD). Based on the supporting evidence, this alteration is interpreted as a disease-causing mutation.

GeneDx
Classification: Pathogenic. Last evaluated: 2022-08-09. Review status: criteria provided, single submitter. Criteria: GeneDx Variant Classification Process June 2021. Collection method: clinical testing. Allele origin: germline. Affected: yes.
Comment: Not observed at significant frequency in large population cohorts (gnomAD); Frameshift variant in the C-terminus predicted to result in protein truncation, as the last 123 amino acids are lost and replaced with 81 incorrect amino acids; This variant is associated with the following publications: (PMID: 24530480, 10973849, 10086971, 23098067, 32383558, 19716085, 11222472)

Literature cited by the submitters: PubMed 10086971 (cited by Labcorp Genetics (formerly Invitae), Labcorp and Ambry Genetics); PubMed 10973849 (cited by Labcorp Genetics (formerly Invitae), Labcorp and Ambry Genetics); PubMed 11222472 (cited by Labcorp Genetics (formerly Invitae), Labcorp and Ambry Genetics); PubMed 23098067 (cited by Labcorp Genetics (formerly Invitae), Labcorp and Ambry Genetics); PubMed 27920829 (cited by Labcorp Genetics (formerly Invitae), Labcorp); PubMed 15572050 (cited by Ambry Genetics); PubMed 19716085 (cited by Ambry Genetics); PubMed 21483829 (cited by Ambry Genetics); PubMed 24530480 (cited by Ambry Genetics).